The following is an entry in ClinVar:

NM_000032.5(ALAS2):c.224C>A (p.Ser75Ter)

Genes: ALAS2 (5'-aminolevulinate synthase 2; minus strand), LOC108663984 (ALAS2 intron 1 and 3 erythroid regulatory elements; plus strand). Cytogenetic location: Xp11.21.
Variant type: single nucleotide variant.
Coding change: c.224C>A on transcript NM_000032.5 (MANE Select); coding-DNA position 224, C replaced by A.
Protein change: p.Ser75Ter; replaces serine 75 with a stop codon.
Molecular consequence: nonsense.
Genome position (GRCh38, 1-based): chrX:55,024,798, G>T on the plus strand (C>A on the coding strand, the complement: ALAS2 is on the minus strand). VCF-style: chrX-55024798-G-T. GRCh37 (hg19) VCF-style: chrX-55051231-G-T.
Other names: ALAS2:NM_000032.5:exon3:c.C224A:p.S75X; NC_000023.10:g.55051231G>T; c.224C>A, p.Ser75Ter (NM_001037967.4); c.296C>A, p.Ser99Ter (NM_001037968.4); short protein forms S75*, S99*.
Identifiers: ClinVar variation 3893296 (VCV003893296.2), dbSNP rs863223900.
Genomic context (GRCh38, chrX:55,024,798, plus strand): 5'-TCTTCCTGGACTTCTGGGGCTGCCTTCTGCACAATCTTGCTCTTCCCATCCTGGAGTTCC[G>T]ACAGCATGAAGGGACAGTGGCCCTTCGCCCAAGATGGAGAATCTATGCAAAGGTAAGAGA-3'

ClinVar aggregate classification (germline): Pathogenic (0 of 4 stars; one submission).

Conditions:
X-linked sideroblastic anemia 1. Also called: X-linked pyridoxine-refractory sideroblastic anemia; Anemia, hereditary sideroblastic 1, pyridoxine refractory; Erythroid 5-aminolevulinate synthase deficiency; X chromosome-linked sideroblastic anemia; Anemia, sideroblastic, 1; ANEMIA, SIDEROBLASTIC, 1, PYRIDOXINE REFRACTORY. Identifiers: Orphanet 75563, MedGen C4551511, MONDO:0020721, OMIM 300751. Disease mechanism: loss of function.

Submissions (2):

Precision Medicine Lab Center, Yangjiang People's Hospital
Classification: Pathogenic for X-linked sideroblastic anemia 1. Last evaluated: 2024-07-01. Review status: no assertion criteria provided. Collection method: clinical testing. Allele origin: germline. Affected: yes. Observed: 1 variant allele.
Comment: This variant introduces a premature termination codon , predicted to result in a truncated protein. The variant is not listed in population frequency databases and has not been previously reported in the literature. Based on the evidence above, this variant is classified as pathogenic.

Dr. Peter K. Rogan Lab, Western University
No classification provided (evidence only). Condition: Pancreatic adenocarcinoma. Review status: no classification provided. Collection method: in vitro. Allele origin: not applicable. Functional consequence: retained intron. Not counted in ClinVar's aggregate classification.